The following is an entry in ClinVar:

NM_000455.5(STK11):c.374+5C>G

Gene: STK11 (serine/threonine kinase 11; plus strand). Cytogenetic location: 19p13.3.
Variant type: single nucleotide variant.
Coding change: c.374+5C>G on transcript NM_000455.5 (MANE Select); 5 bases into the intron after coding-DNA position 374, C replaced by G.
Molecular consequence: intron variant.
Genome position (GRCh38, 1-based): chr19:1,218,505, C>G. VCF-style: chr19-1218505-C-G. GRCh37 (hg19) VCF-style: chr19-1218504-C-G.
Other names: c.374+5C>G (NM_001407255.1).
Identifiers: ClinVar variation 2451996 (VCV002451996.3), dbSNP rs2145420888, ClinGen allele CA2580096028.

ClinVar aggregate classification (germline): Uncertain significance (1 of 4 stars; one submission).

Conditions:
Hereditary cancer-predisposing syndrome. Also called: Neoplastic Syndromes, Hereditary; Tumor predisposition; Hereditary neoplastic syndrome; Hereditary Cancer Syndrome. Identifiers: Orphanet 140162, MedGen C0027672, MeSH D009386, MONDO:0015356.

Submission:

Ambry Genetics
Classification: Uncertain significance for Hereditary cancer-predisposing syndrome. Last evaluated: 2025-05-04. Review status: criteria provided, single submitter. Criteria: Ambry Variant Classification Scheme 2023. Collection method: clinical testing. Allele origin: germline.
Comment: The c.374+5C>G intronic variant results from a C to G substitution 5 nucleotides after coding exon 2 in the STK11 gene. This nucleotide position is highly conserved in available vertebrate species. In silico splice site analysis for this alteration is inconclusive. Since supporting evidence is limited at this time, the clinical significance of this alteration remains unclear.